The following is an entry in ClinVar:

ClinVar aggregate classification (germline): Likely benign. Review status: criteria provided, multiple submitters, no conflicts (2 of 4 stars). 3 submissions from 3 submitters: Likely benign (2). 1 of the submissions does not count toward it. Last evaluated 2026-02-01.

Conditions:
TBXAS1-related disorder. Also called: TBXAS1-related condition.

Allele frequency attached by ClinVar (database versions not stated): gnomAD 0.00020; ESP Exome Variant Server 0.00031.
gnomAD v4.1: 343 of 1,613,882 alleles (0.021%); highest among the groups gnomAD compares: Middle Eastern, 0.033%; 2 homozygotes.

Submissions (3):

Labcorp Genetics (formerly Invitae), Labcorp
Classification: Likely benign. Last evaluated: 2026-02-01. Review status: criteria provided, single submitter. Criteria: Invitae Variant Classification Sherloc (09022015). Collection method: clinical testing. Allele origin: germline.

Women's Health and Genetics/Laboratory Corporation of America, LabCorp
Classification: Likely benign. Last evaluated: 2024-10-10. Review status: criteria provided, single submitter. Criteria: LabCorp Variant Classification Summary - May 2015. Collection method: clinical testing. Allele origin: germline.

PreventionGenetics, part of Exact Sciences
Classification: Likely benign for TBXAS1-related condition. Last evaluated: 2019-04-04. Review status: no assertion criteria provided. Collection method: clinical testing. Allele origin: germline. Not counted in ClinVar's aggregate classification.
Comment: This variant is classified as likely benign based on ACMG/AMP sequence variant interpretation guidelines (Richards et al. 2015 PMID: 25741868, with internal and published modifications).

NM_001061.7(TBXAS1):c.1422C>T (p.Ala474=)

Gene: TBXAS1 (thromboxane A synthase 1; plus strand). Cytogenetic location: 7q34.
Variant type: single nucleotide variant.
Coding change: c.1422C>T on transcript NM_001061.7 (MANE Select); coding-DNA position 1422, C replaced by T.
Protein change: p.Ala474=; no amino-acid change (alanine 474 retained).
Molecular consequence: synonymous variant. On other transcripts: intron variant (1).
Genome position (GRCh38, 1-based): chr7:140,017,728, C>T. VCF-style: chr7-140017728-C-T. GRCh37 (hg19) VCF-style: chr7-139717528-C-T.
Other names: c.1425C>T (NM_001061.4); c.1422C>T, p.Ala474= (NM_001130966.5); c.1560C>T, p.Ala520= (NM_001166253.4); c.1221C>T, p.Ala407= (NM_001166254.4); c.1365C>T, p.Ala455= (NM_001314028.4); c.1239C>T, p.Ala413= (NM_001366537.3); c.1364+1868C>T (NM_030984.6).
Identifiers: ClinVar variation 1992626 (VCV001992626.7), dbSNP rs146745109, ClinGen allele CA4512043.
Genomic context (GRCh38, chr7:140,017,728, plus strand): 5'-CAGGTTCACGGCTGAGGCCCGGCAGCAGCACCGGCCCTTCACGTACCTGCCCTTCGGGGC[C>T]GGCCCACGGAGCTGCCTCGGGGTGCGTCTAGGGCTGCTTGAGGTCAAGTTGACACTGCTC-3'
Protein context (NP_001052.3, residues 464-484): HRPFTYLPFG[Ala474=]GPRSCLGVRL